The following is an entry in ClinVar:

ClinVar aggregate classification (germline): Uncertain significance (1 of 4 stars; one submission).

Allele frequency attached by ClinVar (database versions not stated): TOPMed below 0.00001.

Submission:

Labcorp Genetics (formerly Invitae), Labcorp
Classification: Uncertain significance. Last evaluated: 2022-03-04. Review status: criteria provided, single submitter. Criteria: Invitae Variant Classification Sherloc (09022015). Collection method: clinical testing. Allele origin: germline.
Comment: This sequence change replaces threonine, which is neutral and polar, with alanine, which is neutral and non-polar, at codon 172 of the ASNS protein (p.Thr172Ala). This variant is not present in population databases (gnomAD no frequency). This variant has not been reported in the literature in individuals affected with ASNS-related conditions. Advanced modeling of protein sequence and biophysical properties (such as structural, functional, and spatial information, amino acid conservation, physicochemical variation, residue mobility, and thermodynamic stability) performed at Invitae indicates that this missense variant is not expected to disrupt ASNS protein function. In summary, the available evidence is currently insufficient to determine the role of this variant in disease. Therefore, it has been classified as a Variant of Uncertain Significance.

NM_001673.5(ASNS):c.514A>G (p.Thr172Ala)

Genes: ASNS (asparagine synthetase (glutamine-hydrolyzing); minus strand), CZ1P-ASNS (CZ1P-ASNS readthrough; minus strand). Cytogenetic location: 7q21.3.
Variant type: single nucleotide variant.
Coding change: c.514A>G on transcript NM_001673.5 (MANE Select); coding-DNA position 514, A replaced by G.
Protein change: p.Thr172Ala; replaces threonine 172 with alanine.
Molecular consequence: missense variant. On other transcripts: non-coding transcript variant (1).
Genome position (GRCh38, 1-based): chr7:97,859,372, T>C on the plus strand (A>G on the coding strand, the complement: ASNS is on the minus strand). VCF-style: chr7-97859372-T-C. GRCh37 (hg19) VCF-style: chr7-97488684-T-C.
Other names: c.451A>G, p.Thr151Ala (NM_001178075.2); c.265A>G, p.Thr89Ala (NM_001178076.2, NM_001178077.1); c.514A>G, p.Thr172Ala (NM_001352496.2, NM_133436.3, NM_183356.4); short protein forms T172A, T89A, T151A.
Identifiers: ClinVar variation 2061841 (VCV002061841.1), dbSNP rs1791609289, ClinGen allele CA368270168.
Genomic context (GRCh38, chr7:97,859,372, plus strand): 5'-GCTTTAAATCCAAAACTTCATAGTGTCCAGGAAGAAAAGGCTCCACTTTTAAAAAGGGAG[T>C]CGCGGAGTGCTTCAATGTAACAAGACCTAGAAATTCACAATGATACCTTTATTCAAATTA-3'
Protein context (NP_001664.3, residues 162-182): KGLVTLKHSA[Thr172Ala]PFLKVEPFLP